The following is an entry in ClinVar:

NM_000548.5(TSC2):c.5068+7C>T

Gene: TSC2 (TSC complex subunit 2; plus strand). Cytogenetic location: 16p13.3.
Variant type: single nucleotide variant.
Coding change: c.5068+7C>T on transcript NM_000548.5 (MANE Select); 7 bases into the intron after coding-DNA position 5068, C replaced by T.
Molecular consequence: intron variant.
Genome position (GRCh38, 1-based): chr16:2,087,948, C>T. VCF-style: chr16-2087948-C-T. GRCh37 (hg19) VCF-style: chr16-2137949-C-T.
Other names: c.4999+7C>T (NM_001114382.3); c.4939+7C>T (NM_021055.3, NM_001370405.1); c.4870+7C>T (NM_001363528.2); c.4936+7C>T (NM_001370404.1); c.4867+7C>T (NM_001077183.3); c.4759+7C>T (NM_001318827.2); c.4336+7C>T (NM_001318831.2); c.4723+7C>T (NM_001318829.2); and 1 more.
Identifiers: ClinVar variation 413625 (VCV000413625.12), dbSNP rs773821477, ClinGen allele CA053726.

ClinVar aggregate classification (germline): Likely benign. Review status: criteria provided, multiple submitters, no conflicts (2 of 4 stars). 2 submissions from 2 submitters: Likely benign (2). Last evaluated 2025-11-09.

Conditions:
Tuberous sclerosis 2 (TSC2). Identifiers: Orphanet 805, MedGen C1860707, MONDO:0013199, OMIM 613254.

Allele frequency attached by ClinVar (database versions not stated): ExAC 0.00001; gnomAD exomes 0.00001.
gnomAD v4.1: 13 of 1,605,076 alleles (0.00081%); highest among the groups gnomAD compares: Middle Eastern, 0.017%; no homozygotes.

Submissions (2):

Labcorp Genetics (formerly Invitae), Labcorp
Classification: Likely benign for Tuberous sclerosis 2. Last evaluated: 2025-11-09. Review status: criteria provided, single submitter. Criteria: Invitae Variant Classification Sherloc (09022015). Collection method: clinical testing. Allele origin: germline.

Myriad Genetics, Inc.
Classification: Likely benign for Tuberous sclerosis 2. Last evaluated: 2025-06-05. Review status: criteria provided, single submitter. Criteria: Myriad Autosomal Dominant, Autosomal Recessive and X-Linked Classification Criteria (2023). Collection method: clinical testing. Allele origin: unknown.
Comment: This variant is considered likely benign. This variant is intronic and is not expected to impact mRNA splicing.